The following is an entry in ClinVar:

ClinVar aggregate classification (germline): Likely benign. Review status: criteria provided, multiple submitters, no conflicts (2 of 4 stars). 2 submissions from 2 submitters: Likely benign (2). Last evaluated 2025-10-13.

Conditions:
Early-infantile DEE. Also called: Early infantile epileptic encephalopathy with suppression bursts; Early infantile epileptic encephalopathy; Ohtahara syndrome. Identifiers: Orphanet 1934, MedGen C0393706, MONDO:0800491.

Allele frequency attached by ClinVar (database versions not stated): ExAC 0.00003; gnomAD 0.00001.
gnomAD v4.1: 5 of 1,604,132 alleles (0.00031%); highest among the groups gnomAD compares: African/African-American, 0.0013%; no homozygotes.

Submissions (2):

Labcorp Genetics (formerly Invitae), Labcorp
Classification: Likely benign for Early-infantile DEE. Last evaluated: 2025-10-13. Review status: criteria provided, single submitter. Criteria: Invitae Variant Classification Sherloc (09022015). Collection method: clinical testing. Allele origin: germline.

GeneDx
Classification: Likely benign. Last evaluated: 2018-05-24. Review status: criteria provided, single submitter. Criteria: GeneDx Variant Classification (06012015). Collection method: clinical testing. Allele origin: germline. Affected: yes.
Comment: This variant is considered likely benign or benign based on one or more of the following criteria: it is a conservative change, it occurs at a poorly conserved position in the protein, it is predicted to be benign by multiple in silico algorithms, and/or has population frequency not consistent with disease.

NM_001191061.2(SLC25A22):c.522C>T (p.Thr174=)

Gene: SLC25A22 (solute carrier family 25 member 22; minus strand). Cytogenetic location: 11p15.5.
Variant type: single nucleotide variant.
Coding change: c.522C>T on transcript NM_001191061.2 (MANE Select); coding-DNA position 522, C replaced by T.
Protein change: p.Thr174=; no amino-acid change (threonine 174 retained).
Molecular consequence: synonymous variant.
Genome position (GRCh38, 1-based): chr11:792,618, G>A on the plus strand (C>T on the coding strand, the complement: SLC25A22 is on the minus strand). VCF-style: chr11-792618-G-A. GRCh37 (hg19) VCF-style: chr11-792618-G-A.
Other names: c.522C>T, p.Thr174= (NM_001191060.2, NM_024698.6).
Identifiers: ClinVar variation 668634 (VCV000668634.2), dbSNP rs772259110, ClinGen allele CA5789164.